The following is an entry in ClinVar:

NM_000215.4(JAK3):c.218T>G (p.Leu73Arg)

Gene: JAK3 (Janus kinase 3; minus strand). Cytogenetic location: 19p13.11.
Variant type: single nucleotide variant.
Coding change: c.218T>G on transcript NM_000215.4 (MANE Select); coding-DNA position 218, T replaced by G.
Protein change: p.Leu73Arg; replaces leucine 73 with arginine.
Molecular consequence: missense variant.
Genome position (GRCh38, 1-based): chr19:17,843,867, A>C on the plus strand (T>G on the coding strand, the complement: JAK3 is on the minus strand). VCF-style: chr19-17843867-A-C. GRCh37 (hg19) VCF-style: chr19-17954676-A-C.
Other names: short protein forms L73R.
Identifiers: ClinVar variation 418264 (VCV000418264.3), dbSNP rs1064793156, ClinGen allele CA16620809.

ClinVar aggregate classification (germline): Conflicting classifications of pathogenicity. Review status: criteria provided, conflicting classifications (1 of 4 stars). 2 submissions from 2 submitters: Likely pathogenic (1); Uncertain significance (1). Last evaluated 2026-03-09.

Allele frequency attached by ClinVar (database versions not stated): gnomAD exomes below 0.00001; gnomAD 0.00001; TOPMed 0.00002.
gnomAD v4.1: 3 of 1,613,594 alleles (0.00019%); highest among the groups gnomAD compares: African/African-American, 0.004%; no homozygotes.

Submissions (2):

Women's Health and Genetics/Laboratory Corporation of America, LabCorp
Classification: Uncertain significance. Last evaluated: 2026-03-09. Review status: criteria provided, single submitter. Criteria: LabCorp Variant Classification Summary - May 2015. Collection method: clinical testing. Allele origin: germline.
Comment: Variant summary: JAK3 c.218T>G (p.Leu73Arg) results in a non-conservative amino acid change in the encoded protein sequence. Algorithms developed to predict the effect of missense changes on protein structure and function all suggest that this variant is likely to be disruptive. The variant allele was found at a frequency of 4e-06 in 250876 control chromosomes. The available data on variant occurrences in the general population are insufficient to allow any conclusion about variant significance. To our knowledge, no occurrence of c.218T>G in individuals affected with JAK3-related conditions and no experimental evidence demonstrating its impact on protein function have been reported. ClinVar contains an entry for this variant (Variation ID: 418264). Based on the evidence outlined above, the variant was classified as uncertain significance.

GeneDx
Classification: Likely pathogenic. Last evaluated: 2013-02-14. Review status: criteria provided, single submitter. Criteria: GeneDx Variant Classification (06012015). Collection method: clinical testing. Allele origin: germline. Affected: yes.
Comment: A novel L73R missense change likely associated with SCID was identified in the JAK3 gene. To our knowledge, this variant has neither been published as a pathogenic variant, nor reported as a benign polymorphism. L73R represents a non-conservative amino acid substitution as a non-polar Leucine residue is replaced with a large, positively-charged Arginine residue. This substitution occurs at a position in the JAK3 protein that is highly conserved among species. Therefore, L73R is a strong candidate for a pathogenic variant however, the possibility that it is a benign variant cannot be excluded.